The following is an entry in ClinVar:

NM_033100.4(CDHR1):c.590C>T (p.Thr197Ile)

Gene: CDHR1 (cadherin related family member 1; plus strand). Cytogenetic location: 10q23.1.
Variant type: single nucleotide variant.
Coding change: c.590C>T on transcript NM_033100.4 (MANE Select); coding-DNA position 590, C replaced by T.
Protein change: p.Thr197Ile; replaces threonine 197 with isoleucine.
Molecular consequence: missense variant.
Genome position (GRCh38, 1-based): chr10:84,201,871, C>T. VCF-style: chr10-84201871-C-T. GRCh37 (hg19) VCF-style: chr10-85961627-C-T.
Other names: c.590C>T, p.Thr197Ile (NM_001171971.3); short protein forms T197I.
Identifiers: ClinVar variation 2014973 (VCV002014973.4), dbSNP rs377285624, ClinGen allele CA5579597.

ClinVar aggregate classification (germline): Uncertain significance (1 of 4 stars; one submission).

Allele frequency attached by ClinVar (database versions not stated): gnomAD exomes below 0.00001; ExAC 0.00001; gnomAD 0.00001; TOPMed 0.00001; ESP Exome Variant Server 0.00008.
gnomAD v4.1: 8 of 1,609,070 alleles (0.0005%); highest among the groups gnomAD compares: Non-Finnish European, 0.00059%; no homozygotes.

Submission:

Labcorp Genetics (formerly Invitae), Labcorp
Classification: Uncertain significance. Last evaluated: 2022-07-09. Review status: criteria provided, single submitter. Criteria: Invitae Variant Classification Sherloc (09022015). Collection method: clinical testing. Allele origin: germline.
Comment: This sequence change replaces threonine, which is neutral and polar, with isoleucine, which is neutral and non-polar, at codon 197 of the CDHR1 protein (p.Thr197Ile). This variant is present in population databases (rs377285624, gnomAD 0.002%). This variant has not been reported in the literature in individuals affected with CDHR1-related conditions. Advanced modeling of protein sequence and biophysical properties (such as structural, functional, and spatial information, amino acid conservation, physicochemical variation, residue mobility, and thermodynamic stability) performed at Invitae indicates that this missense variant is not expected to disrupt CDHR1 protein function. In summary, the available evidence is currently insufficient to determine the role of this variant in disease. Therefore, it has been classified as a Variant of Uncertain Significance.